The following is an entry in ClinVar:

NM_007348.4(ATF6):c.966G>C (p.Gln322His)

Gene: ATF6 (activating transcription factor 6; plus strand). Cytogenetic location: 1q23.3.
Variant type: single nucleotide variant.
Coding change: c.966G>C on transcript NM_007348.4 (MANE Select); coding-DNA position 966, G replaced by C.
Protein change: p.Gln322His; replaces glutamine 322 with histidine.
Molecular consequence: missense variant.
Genome position (GRCh38, 1-based): chr1:161,819,689, G>C. VCF-style: chr1-161819689-G-C. GRCh37 (hg19) VCF-style: chr1-161789479-G-C.
Other names: short protein forms Q322H.
Identifiers: ClinVar variation 1365838 (VCV001365838.8), dbSNP rs1186652044, ClinGen allele CA343372259.

ClinVar aggregate classification (germline): Uncertain significance (1 of 4 stars; one submission).

gnomAD v4.1: 3 of 1,612,506 alleles (0.00019%); highest among the groups gnomAD compares: South Asian, 0.0033%; no homozygotes.

Submission:

Labcorp Genetics (formerly Invitae), Labcorp
Classification: Uncertain significance. Last evaluated: 2021-01-19. Review status: criteria provided, single submitter. Criteria: Invitae Variant Classification Sherloc (09022015). Collection method: clinical testing. Allele origin: germline.
Comment: This sequence change replaces glutamine with histidine at codon 322 of the ATF6 protein (p.Gln322His). The glutamine residue is moderately conserved and there is a small physicochemical difference between glutamine and histidine. This variant is not present in population databases (ExAC no frequency). This variant has not been reported in the literature in individuals with ATF6-related conditions. Algorithms developed to predict the effect of missense changes on protein structure and function are either unavailable or do not agree on the potential impact of this missense change (SIFT: "Tolerated"; PolyPhen-2: "Probably Damaging"; Align-GVGD: "Class C0"). In summary, the available evidence is currently insufficient to determine the role of this variant in disease. Therefore, it has been classified as a Variant of Uncertain Significance.